The following is an entry in ClinVar:

ClinVar aggregate classification (germline): Uncertain significance (1 of 4 stars; one submission).

Conditions:
Inborn genetic diseases. Identifiers: MedGen C0950123, MeSH D030342.

Submission:

Ambry Genetics
Classification: Uncertain significance for Inborn genetic diseases. Last evaluated: 2024-05-24. Review status: criteria provided, single submitter. Criteria: Ambry Variant Classification Scheme 2023. Collection method: clinical testing. Allele origin: germline.
Comment: The c.4906C>A (p.Q1636K) alteration is located in exon 22 (coding exon 22) of the KDM3B gene. This alteration results from a C to A substitution at nucleotide position 4906, causing the glutamine (Q) at amino acid position 1636 to be replaced by a lysine (K). This variant was not reported in population-based cohorts in the Genome Aggregation Database (gnomAD). This amino acid position is well conserved in available vertebrate species. This missense alteration is located in a region that has a low rate of benign missense variation (Lek, 2016; Firth, 2009). This alteration is predicted to be tolerated by in silico analysis. Based on insufficient or conflicting evidence, the clinical significance of this alteration remains unclear.

NM_016604.4(KDM3B):c.4906C>A (p.Gln1636Lys)

Gene: KDM3B (lysine demethylase 3B; plus strand). Cytogenetic location: 5q31.2.
Variant type: single nucleotide variant.
Coding change: c.4906C>A on transcript NM_016604.4 (MANE Select); coding-DNA position 4906, C replaced by A.
Protein change: p.Gln1636Lys; replaces glutamine 1636 with lysine.
Molecular consequence: missense variant.
Genome position (GRCh38, 1-based): chr5:138,430,261, C>A. VCF-style: chr5-138430261-C-A. GRCh37 (hg19) VCF-style: chr5-137765950-C-A.
Other names: short protein forms Q1636K.
Identifiers: ClinVar variation 3287897 (VCV003287897.1).